The following is an entry in ClinVar:

ClinVar aggregate classification (germline): Uncertain significance. Review status: criteria provided, multiple submitters, no conflicts (2 of 4 stars). 7 submissions from 6 submitters: Uncertain significance (7). Last evaluated 2026-02-03.

Conditions:
Inborn genetic diseases. Identifiers: MedGen C0950123, MeSH D030342.
Retinitis pigmentosa (RP). Identifiers: Orphanet 791, MedGen C0035334, MeSH D012174, MONDO:0019200, OMIM 268000. Inheritance: Autosomal dominant, autosomal recessive and X linked inheritance.
Leber congenital amaurosis 15 (LCA15). Identifiers: Orphanet 65, MedGen C3151206, MONDO:0013457, OMIM 613843.

Allele frequency attached by ClinVar (database versions not stated): TOPMed 0.00008; gnomAD 0.00009 and 0.00010; gnomAD exomes 0.00014 and 0.00016; 1000 Genomes Project 30x 0.00047; ExAC below 0.00001.
gnomAD v4.1: 187 of 1,348,468 alleles (0.014%); highest among the groups gnomAD compares: Middle Eastern, 0.071%; no homozygotes.

Submissions (7):

Women's Health and Genetics/Laboratory Corporation of America, LabCorp
Classification: Uncertain significance. Last evaluated: 2026-02-03. Review status: criteria provided, single submitter. Criteria: LabCorp Variant Classification Summary - May 2015. Collection method: clinical testing. Allele origin: germline.
Comment: Variant summary: TULP1 c.184C>T (p.Pro62Ser) results in a non-conservative amino acid change in the encoded protein sequence. Algorithms developed to predict the effect of missense changes on protein structure and function are either unavailable or do not agree on the potential impact of this missense change. The variant allele was found at a frequency of 0.00016 in 37786 control chromosomes. The available data on variant occurrences in the general population are insufficient to allow any conclusion about variant significance. To our knowledge, no occurrence of c.184C>T in individuals affected with TULP1-related conditions and no experimental evidence demonstrating its impact on protein function have been reported. ClinVar contains an entry for this variant (Variation ID: 196359). Based on the evidence outlined above, the variant was classified as uncertain significance.

Blueprint Genetics
Classification: Uncertain significance. Last evaluated: 2024-11-07. Review status: criteria provided, single submitter. Criteria: ACMG Guidelines, 2015. Collection method: clinical testing. Allele origin: germline.

Labcorp Genetics (formerly Invitae), Labcorp
Classification: Uncertain significance. Last evaluated: 2022-09-27. Review status: criteria provided, single submitter. Criteria: Invitae Variant Classification Sherloc (09022015). Collection method: clinical testing. Allele origin: germline.
Comment: This sequence change replaces proline, which is neutral and non-polar, with serine, which is neutral and polar, at codon 62 of the TULP1 protein (p.Pro62Ser). This variant is present in population databases (rs781650198, gnomAD 0.04%). This variant has not been reported in the literature in individuals affected with TULP1-related conditions. ClinVar contains an entry for this variant (Variation ID: 196359). Advanced modeling of protein sequence and biophysical properties (such as structural, functional, and spatial information, amino acid conservation, physicochemical variation, residue mobility, and thermodynamic stability) performed at Invitae indicates that this missense variant is not expected to disrupt TULP1 protein function. In summary, the available evidence is currently insufficient to determine the role of this variant in disease. Therefore, it has been classified as a Variant of Uncertain Significance.

Ambry Genetics
Classification: Uncertain significance for Inborn genetic diseases. Last evaluated: 2021-09-16. Review status: criteria provided, single submitter. Criteria: Ambry Variant Classification Scheme 2023. Collection method: clinical testing. Allele origin: germline.

Illumina Laboratory Services, Illumina
Classification: Uncertain significance for Retinitis pigmentosa. Last evaluated: 2017-04-27. Review status: criteria provided, single submitter. Criteria: ICSL Variant Classification Criteria 13 December 2019. Collection method: clinical testing. Allele origin: germline.

Illumina Laboratory Services, Illumina
Classification: Uncertain significance for Leber congenital amaurosis 15. Last evaluated: 2017-04-27. Review status: criteria provided, single submitter. Criteria: ICSL Variant Classification Criteria 13 December 2019. Collection method: clinical testing. Allele origin: germline.

Eurofins Ntd Llc (ga)
Classification: Uncertain significance. Last evaluated: 2014-08-15. Review status: criteria provided, single submitter. Criteria: EGL Classification Definitions 2015. Collection method: clinical testing. Allele origin: germline. Observed: 2 variant alleles, 2 heterozygotes.

NM_003322.6(TULP1):c.184C>T (p.Pro62Ser)

Gene: TULP1 (TUB like protein 1; minus strand). Cytogenetic location: 6p21.31.
Variant type: single nucleotide variant.
Coding change: c.184C>T on transcript NM_003322.6 (MANE Select); coding-DNA position 184, C replaced by T.
Protein change: p.Pro62Ser; replaces proline 62 with serine.
Molecular consequence: missense variant.
Genome position (GRCh38, 1-based): chr6:35,512,186, G>A on the plus strand (C>T on the coding strand, the complement: TULP1 is on the minus strand). VCF-style: chr6-35512186-G-A. GRCh37 (hg19) VCF-style: chr6-35479963-G-A.
Other names: c.184C>T, p.Pro62Ser (NM_001289395.2); short protein forms P62S.
Identifiers: ClinVar variation 196359 (VCV000196359.14), dbSNP rs781650198, ClinGen allele CA243286.